The following is an entry in ClinVar:

ClinVar aggregate classification (germline): Uncertain significance. Review status: criteria provided, multiple submitters, no conflicts (2 of 4 stars). 2 submissions from 2 submitters: Uncertain significance (2). Last evaluated 2023-10-09.

Conditions:
Hereditary cancer-predisposing syndrome. Also called: Hereditary neoplastic syndrome; Tumor predisposition; Neoplastic Syndromes, Hereditary; Hereditary Cancer Syndrome. Identifiers: Orphanet 140162, MedGen C0027672, MeSH D009386, MONDO:0015356.
Hereditary breast ovarian cancer syndrome. Also called: Hereditary breast and ovarian cancer syndrome; Hereditary breast and/or ovarian cancer syndrome; BRCA1- and BRCA2-Associated Hereditary Breast and Ovarian Cancer; Hereditary breast and ovarian cancer syndrome (HBOC); Hereditary breast and ovarian cancer; Breast and ovarian cancer. Identifiers: Orphanet 145, MedGen C0677776, MeSH D061325, MONDO:0003582. Disease mechanism: loss of function.

Submissions (2):

Color Diagnostics, LLC DBA Color Health
Classification: Uncertain significance for Hereditary cancer-predisposing syndrome. Last evaluated: 2023-10-09. Review status: criteria provided, single submitter. Criteria: ACMG Guidelines, 2015. Collection method: clinical testing. Allele origin: germline.
Comment: This missense variant replaces lysine with arginine at codon 2750 of the BRCA2 protein. Computational prediction suggests that this variant may have deleterious impact on protein structure and function (internally defined REVEL score threshold >= 0.7, PMID: 27666373). To our knowledge, functional studies have not been reported for this variant. This variant has not been reported in individuals affected with BRCA2-related disorders in the literature. This variant has not been identified in the general population by the Genome Aggregation Database (gnomAD). The available evidence is insufficient to determine the role of this variant in disease conclusively. Therefore, this variant is classified as a Variant of Uncertain Significance.

Labcorp Genetics (formerly Invitae), Labcorp
Classification: Uncertain significance for Hereditary breast ovarian cancer syndrome. Last evaluated: 2023-05-17. Review status: criteria provided, single submitter. Criteria: Invitae Variant Classification Sherloc (09022015). Collection method: clinical testing. Allele origin: germline.
Comment: This variant has not been reported in the literature in individuals affected with BRCA2-related conditions. This variant is not present in population databases (gnomAD no frequency). This sequence change replaces lysine, which is basic and polar, with arginine, which is basic and polar, at codon 2750 of the BRCA2 protein (p.Lys2750Arg). Advanced modeling of protein sequence and biophysical properties (such as structural, functional, and spatial information, amino acid conservation, physicochemical variation, residue mobility, and thermodynamic stability) performed at Invitae indicates that this missense variant is not expected to disrupt BRCA2 protein function. In summary, the available evidence is currently insufficient to determine the role of this variant in disease. Therefore, it has been classified as a Variant of Uncertain Significance.

NM_000059.4(BRCA2):c.8249A>G (p.Lys2750Arg)

Gene: BRCA2 (BRCA2 DNA repair associated; plus strand). Cytogenetic location: 13q13.1.
Variant type: single nucleotide variant.
Coding change: c.8249A>G on transcript NM_000059.4 (MANE Select); coding-DNA position 8249, A replaced by G.
Protein change: p.Lys2750Arg; replaces lysine 2750 with arginine.
Molecular consequence: missense variant. On other transcripts: non-coding transcript variant (1).
Genome position (GRCh38, 1-based): chr13:32,363,451, A>G. VCF-style: chr13-32363451-A-G. GRCh37 (hg19) VCF-style: chr13-32937588-A-G.
Other names: c.8153A>G, p.Lys2718Arg (NM_001406719.1); c.8249A>G, p.Lys2750Arg (NM_001406720.1); c.3317A>G, p.Lys1106Arg (NM_001406721.1); c.1832A>G, p.Lys611Arg (NM_001406722.1); short protein forms K1106R, K2718R, K2750R, K611R.
Identifiers: ClinVar variation 2862753 (VCV002862753.4), dbSNP rs41293515, ClinGen allele CA247478057.